The following is an entry in ClinVar:

ClinVar aggregate classification (germline): Uncertain significance (1 of 4 stars; one submission).

gnomAD v4.1: 1 of 1,613,306 alleles (0.000062%); highest among the groups gnomAD compares: Admixed American, 0.0017%; no homozygotes.

Submission:

Labcorp Genetics (formerly Invitae), Labcorp
Classification: Uncertain significance. Last evaluated: 2024-09-27. Review status: criteria provided, single submitter. Criteria: Invitae Variant Classification Sherloc (09022015). Collection method: clinical testing. Allele origin: germline.
Comment: This sequence change falls in intron 5 of the SHPK gene. It does not directly change the encoded amino acid sequence of the SHPK protein. This variant is present in population databases (no rsID available, gnomAD 0.003%). This variant has not been reported in the literature in individuals affected with SHPK-related conditions. Algorithms developed to predict the effect of sequence changes on RNA splicing suggest that this variant may disrupt the consensus splice site. In summary, the available evidence is currently insufficient to determine the role of this variant in disease. Therefore, it has been classified as a Variant of Uncertain Significance.

NM_013276.4(SHPK):c.824-10C>A

Gene: SHPK (sedoheptulokinase; minus strand). Cytogenetic location: 17p13.2.
Variant type: single nucleotide variant.
Coding change: c.824-10C>A on transcript NM_013276.4 (MANE Select); 10 bases into the intron before coding-DNA position 824, C replaced by A.
Molecular consequence: intron variant.
Genome position (GRCh38, 1-based): chr17:3,615,547, G>T on the plus strand (C>A on the coding strand, the complement: SHPK is on the minus strand). VCF-style: chr17-3615547-G-T. GRCh37 (hg19) VCF-style: chr17-3518841-G-T.
Identifiers: ClinVar variation 3612195 (VCV003612195.2).